The following is an entry in ClinVar:

NM_004525.3(LRP2):c.2344A>G (p.Arg782Gly)

Gene: LRP2 (LDL receptor related protein 2; minus strand). Cytogenetic location: 2q31.1.
Variant type: single nucleotide variant.
Coding change: c.2344A>G on transcript NM_004525.3 (MANE Select); coding-DNA position 2344, A replaced by G.
Protein change: p.Arg782Gly; replaces arginine 782 with glycine.
Molecular consequence: missense variant.
Genome position (GRCh38, 1-based): chr2:169,259,194, T>C on the plus strand (A>G on the coding strand, the complement: LRP2 is on the minus strand). VCF-style: chr2-169259194-T-C. GRCh37 (hg19) VCF-style: chr2-170115704-T-C.
Other names: short protein forms R782G.
Identifiers: ClinVar variation 1361581 (VCV001361581.8), dbSNP rs2105411521, ClinGen allele CA349158679.

ClinVar aggregate classification (germline): Uncertain significance (1 of 4 stars; one submission).

Allele frequency attached by ClinVar (database versions not stated): gnomAD exomes below 0.00001.
gnomAD v4.1: 2 of 1,613,198 alleles (0.00012%); highest among the groups gnomAD compares: Non-Finnish European, 0.00017%; no homozygotes.

Submission:

Labcorp Genetics (formerly Invitae), Labcorp
Classification: Uncertain significance. Last evaluated: 2025-08-06. Review status: criteria provided, single submitter. Criteria: Invitae Variant Classification Sherloc (09022015). Collection method: clinical testing. Allele origin: germline.
Comment: This sequence change replaces arginine, which is basic and polar, with glycine, which is neutral and non-polar, at codon 782 of the LRP2 protein (p.Arg782Gly). This variant is not present in population databases (gnomAD no frequency). This variant has not been reported in the literature in individuals affected with LRP2-related conditions. ClinVar contains an entry for this variant (Variation ID: 1361581). Invitae Evidence Modeling of protein sequence and biophysical properties (such as structural, functional, and spatial information, amino acid conservation, physicochemical variation, residue mobility, and thermodynamic stability) indicates that this missense variant is not expected to disrupt LRP2 protein function with a negative predictive value of 80%. In summary, the available evidence is currently insufficient to determine the role of this variant in disease. Therefore, it has been classified as a Variant of Uncertain Significance.